The following is an entry in ClinVar:

ClinVar aggregate classification (germline): Uncertain significance (1 of 4 stars; one submission).

Submission:

ISCA site 15
Classification: Uncertain significance. Last evaluated: 2011-08-12. Review status: criteria provided, single submitter. Criteria: Kaminsky et al. (Genet Med. 2011). Collection method: clinical testing. Allele origin: unknown. Affected: yes. Observed: 1 variant allele.
Comment: Copy number variation identified through the course of routine clinical cytogenomic testing in postnatal populations. Clinical assertions have been curated as described in Kaminsky et al. 2011.

GRCh38/hg38 12q13.12(chr12:49840075-50315208)x3

Genes: AQP2 (aquaporin 2; plus strand), AQP5 (aquaporin 5; plus strand), AQP5-AS1 (AQP5 and AQP2 antisense RNA 2; minus strand), AQP6 (aquaporin 6; plus strand), ASIC1 (acid sensing ion channel subunit 1; plus strand) and 40 more. Cytogenetic location: 12q13.12.
Variant type: copy number gain.
Change: copy number 3 (three copies instead of two) of chr12:49,840,075-50,315,208 (475.1 kb, GRCh38 coordinates, 1-based), cytogenetic band 12q13.12.
Identifiers: ClinVar variation 58211 (VCV000058211.1).